The following is an entry in ClinVar:

NM_001035.3(RYR2):c.8274G>A (p.Lys2758=)

Gene: RYR2 (ryanodine receptor 2; plus strand). Cytogenetic location: 1q43.
Variant type: single nucleotide variant.
Coding change: c.8274G>A on transcript NM_001035.3 (MANE Select); coding-DNA position 8274, G replaced by A.
Protein change: p.Lys2758=; no amino-acid change (lysine 2758 retained).
Molecular consequence: synonymous variant.
Genome position (GRCh38, 1-based): chr1:237,660,050, G>A. VCF-style: chr1-237660050-G-A. GRCh37 (hg19) VCF-style: chr1-237823350-G-A.
Other names: c.8274G>A (NM_001035.2).
Identifiers: ClinVar variation 926644 (VCV000926644.15), dbSNP rs1035038004, ClinGen allele CA423820848.
Genomic context (GRCh38, chr1:237,660,050, plus strand): 5'-AAATGGATGGATTTATGGAGAAATATATTCAGACTCTTCTAAGGTTCAGCCATTAATGAA[G>A]CCATATAAGCTATTGTCTGAAAAGGTAAGGATTTTTTGTTTGTTTTAGTTTGTAAAGTTT-3'
Protein context (NP_001026.2, residues 2748-2768): SDSSKVQPLM[Lys2758=]PYKLLSEKEK

ClinVar aggregate classification (germline): Likely benign. Review status: criteria provided, multiple submitters, no conflicts (2 of 4 stars). 4 submissions from 4 submitters: Likely benign (4). Last evaluated 2025-10-19.

Conditions:
Catecholaminergic polymorphic ventricular tachycardia 1. Also called: VENTRICULAR TACHYCARDIA, CATECHOLAMINERGIC POLYMORPHIC, 1, WITH OR WITHOUT ATRIAL DYSFUNCTION AND/OR DILATED CARDIOMYOPATHY; VENTRICULAR TACHYCARDIA, STRESS-INDUCED POLYMORPHIC 1; RYR2-Related Catecholaminergic Polymorphic Ventricular Tachycardia. Identifiers: Orphanet 3286, MedGen C1631597, MONDO:0011484, OMIM 604772.
Catecholaminergic polymorphic ventricular tachycardia (CVPT). Also called: Catecholamine-induced polymorphic ventricular tachycardia. Identifiers: Orphanet 3286, MedGen C5574922, MONDO:0017990.
Cardiomyopathy (CMYO). Also called: Cardiomyopathies. Identifiers: Orphanet 167848, MedGen C0878544, MONDO:0004994, HP:0001638. Inheritance: Various modes of inheritance.
Cardiovascular phenotype. Identifiers: MedGen CN230736.

gnomAD v4.1: 9 of 1,575,092 alleles (0.00057%); highest among the groups gnomAD compares: Admixed American, 0.011%; no homozygotes.

Submissions (4):

Labcorp Genetics (formerly Invitae), Labcorp
Classification: Likely benign for Catecholaminergic polymorphic ventricular tachycardia 1. Last evaluated: 2025-10-19. Review status: criteria provided, single submitter. Criteria: Invitae Variant Classification Sherloc (09022015). Collection method: clinical testing. Allele origin: germline.

All of Us Research Program, National Institutes of Health
Classification: Likely benign for Catecholaminergic polymorphic ventricular tachycardia. Last evaluated: 2023-12-13. Review status: criteria provided, single submitter. Criteria: ACMG Guidelines, 2015. Collection method: clinical testing. Allele origin: germline. Inheritance: Autosomal dominant inheritance. Observed: 5 variant alleles, 5 heterozygotes.
Comment: This study involves interpretation of variants in research participants for the purpose of population health screening. Participant phenotype was not available at the time of variant classification. Additional details can be found in publication PMID: 35346344, PMCID: PMC8962531

Color Diagnostics, LLC DBA Color Health
Classification: Likely benign for Cardiomyopathy. Last evaluated: 2020-01-29. Review status: criteria provided, single submitter. Criteria: ACMG Guidelines, 2015. Collection method: clinical testing. Allele origin: germline.

Ambry Genetics
Classification: Likely benign for Cardiovascular phenotype. Last evaluated: 2019-09-20. Review status: criteria provided, single submitter. Criteria: Ambry Variant Classification Scheme 2023. Collection method: clinical testing. Allele origin: germline.